The following is an entry in ClinVar:

ClinVar aggregate classification (germline): Pathogenic/Likely pathogenic. Review status: criteria provided, multiple submitters, no conflicts (2 of 4 stars). 9 submissions from 9 submitters: Pathogenic (6); Likely pathogenic (3). Last evaluated 2026-01-14.

Conditions:
Cystic fibrosis (CF). Also called: MUCOVISCIDOSIS. Identifiers: Orphanet 586, MedGen C0010674, MONDO:0009061, OMIM 219700. Disease mechanism: loss of function.
Bronchiectasis with or without elevated sweat chloride 1 (BESC1). Also called: Cystic Fibrosis-Like Syndrome. Identifiers: Orphanet 60033, MedGen C2749757, MONDO:0008887, OMIM 211400.
Hereditary pancreatitis (PCTT). Also called: Hereditary chronic pancreatitis; PRSS1-Related Hereditary Pancreatitis. Identifiers: Orphanet 676, MedGen C0238339, MONDO:0008185, OMIM 167800.
Congenital bilateral aplasia of vas deferens from CFTR mutation (CBAVD). Identifiers: Orphanet 48, MedGen C0403814, MONDO:0010178, OMIM 277180. Disease mechanism: loss of function.
CFTR-related disorder (CFTR-RD). Also called: CFTR-related disorders; CFTR-related condition. Identifiers: MedGen C5924204, MONDO:7770004.

Allele frequency attached by ClinVar (database versions not stated): gnomAD exomes below 0.00001; ExAC 0.00001.

Submissions (9):

Victorian Clinical Genetics Services, Murdoch Childrens Research Institute
Classification: Pathogenic for Cystic fibrosis. Last evaluated: 2026-01-14. Review status: criteria provided, single submitter. Criteria: ACMG Guidelines, 2015. Collection method: clinical testing. Allele origin: germline. Affected: no.
Comment: This variant is classified as Pathogenic. Evidence in support of pathogenic classification: Variant is present in gnomAD <0.01 for a recessive condition (v2: 1 heterozygote(s), 0 homozygote(s)). - This variant has strong previous evidence of pathogenicity in unrelated individuals. This variant has been classified as pathogenic or likely pathogenic by clinical laboratories in ClinVar. It has also been reported in the literature in a compound heterozygous or homozygous state in individuals with cystic fibrosis. This variant has been suggested to be a founder variant localised to southern regions of China (PMIDs: 28116329, 32539862, 22992393, 23089694). Additional information: Variant is predicted to result in a missense amino acid change from Ile to Arg; This variant is heterozygous; This gene is associated with autosomal recessive disease; Alternative amino acid change(s) at the same position are present in gnomAD (highest allele count: v4: 3 heterozygote(s), 0 homozygote(s)). - Variant is located in the annotated ABC transporter transmembrane domain (DECIPHER). - Missense variant with inconclusive in silico prediction and/or uninformative conservation; Loss of function is a known mechanism of disease in this gene and is associated with cystic fibrosis (MIM#219700).

Natera, Inc.
Classification: Pathogenic for CFTR-related disorders. Last evaluated: 2025-10-16. Review status: criteria provided, single submitter. Criteria: Natera Variant Classification Schema (03/2026). Collection method: clinical testing. Allele origin: germline.
Comment: The c.3068T>G variant in CFTR is a missense variant predicted to cause substitution of isoleucine to arginine at amino acid 1023. This variant is rare in the general population with a frequency below the threshold expected for the associated phenotype(s). This variant has been observed in one or more individuals affected with the associated recessive disease, as either homozygous or compound heterozygous with a second variant (PMID: 28116329). Computational prediction algorithms indicate this variant is likely to affect gene or protein function. Given the available evidence, this variant is classified as Pathogenic.

Mayo Clinic Laboratories, Mayo Clinic
Classification: Pathogenic. Last evaluated: 2025-08-07. Review status: criteria provided, single submitter. Criteria: ACMG Guidelines, 2015. Collection method: clinical testing. Allele origin: germline. Observed: 1 variant allele.
Comment: PM2_supporting, PM3_very_strong, PS3

Women's Health and Genetics/Laboratory Corporation of America, LabCorp
Classification: Pathogenic for Cystic fibrosis. Last evaluated: 2024-06-27. Review status: criteria provided, single submitter. Criteria: LabCorp Variant Classification Summary - May 2015. Collection method: clinical testing. Allele origin: germline.
Comment: Variant summary: CFTR c.3068T>G (p.Ile1023Arg) results in a non-conservative amino acid change located in the ABC transporter type 1, transmembrane domain (IPR011527) of the encoded protein sequence. Four of four in-silico tools predict a damaging effect of the variant on protein function. The variant allele was found at a frequency of 4e-06 in 251076 control chromosomes. c.3068T>G has been reported in the literature in the presumed compound heterozygous, compound heterozygous, or homozygous states multiple individuals affected with Cystic Fibrosis (example, Leung_2017). These data indicate that the variant is very likely to be associated with disease. At least one publication reports experimental evidence evaluating an impact on protein function. The most pronounced variant effect resulted in approximately 1.73% of normal chloride channel conductance relative to wild type (e.g., Bihler_2024). The following publications have been ascertained in the context of this evaluation (PMID: 23089694, 28116329, 22992393, 38388235). ClinVar contains an entry for this variant (Variation ID: 495923). Based on the evidence outlined above, the variant was classified as pathogenic.

Baylor Genetics
Classification: Likely pathogenic for Bronchiectasis with or without elevated sweat chloride 1. Last evaluated: 2023-12-10. Review status: criteria provided, single submitter. Criteria: ACMG Guidelines, 2015. Collection method: clinical testing. Allele origin: unknown.

Labcorp Genetics (formerly Invitae), Labcorp
Classification: Pathogenic for Cystic fibrosis. Last evaluated: 2022-06-15. Review status: criteria provided, single submitter. Criteria: Invitae Variant Classification Sherloc (09022015). Collection method: clinical testing. Allele origin: germline.
Comment: This missense change has been observed in individual(s) with cystic fibrosis (PMID: 22992393, 23089694, 28116329). In at least one individual the data is consistent with being in trans (on the opposite chromosome) from a pathogenic variant. This sequence change replaces isoleucine, which is neutral and non-polar, with arginine, which is basic and polar, at codon 1023 of the CFTR protein (p.Ile1023Arg). This variant is present in population databases (rs756219310, gnomAD 0.006%). ClinVar contains an entry for this variant (Variation ID: 495923). Algorithms developed to predict the effect of missense changes on protein structure and function are either unavailable or do not agree on the potential impact of this missense change (SIFT: "Deleterious"; PolyPhen-2: "Benign"; Align-GVGD: "Class C0"). Experimental studies have shown that this missense change affects CFTR function (PMID: 28116329). For these reasons, this variant has been classified as Pathogenic.

NxGen MDx
Classification: Likely pathogenic for Cystic fibrosis. Last evaluated: 2020-05-19. Review status: criteria provided, single submitter. Criteria: ACMG Guidelines, 2015. Collection method: clinical testing. Allele origin: unknown.
Comment: This missense variant (c.3068T>G) in a hotspot on exon 19 of CFTR (PM1) and gnomAD databases indicate low allele frequency (PM2). Computational models produce mostly pathogenic verdicts for this variant (PP3). There are 4 additional cases in Leung et al. PMID 28116329 where the authors suggest this variant may be a founder mutation in southern Han Chinese. Leung et al. also conducted functional analysis demonstrating that p.Ile1023Arg leads to a trafficking defect during CFTR maturation without affecting the gating function. We interpret c.3068T>G to be likely pathogenic.

Ambry Genetics
Classification: Likely pathogenic for Cystic fibrosis. Last evaluated: 2019-08-07. Review status: criteria provided, single submitter. Criteria: Ambry Variant Classification Scheme 2023. Collection method: clinical testing. Allele origin: germline.
Comment: The p.I1023R variant (also known as c.3068T>G), located in coding exon 19 of the CFTR gene, results from a T to G substitution at nucleotide position 3068. The isoleucine at codon 1023 is replaced by arginine, an amino acid with similar properties. This variant has been identified in several individuals with symptoms of cystic fibrosis with a second CFTR variant and has been suggested to be a Southern Chinese founder mutation (Chen CH et al. J. Formos. Med. Assoc., 2012 Oct;111:580-3; Liu LC et al. J Microbiol Immunol Infect, 2014 Aug;47:358-61; Leung GK et al. Mol Genet Genomic Med, 2017 Jan;5:40-49). In HeLa cells, this variant demonstrated reduced levels of mature CFTR protein compared to wild type (Leung GK et al. Mol Genet Genomic Med, 2017 Jan;5:40-49). This amino acid position is not well conserved in available vertebrate species. In addition, the in silico prediction for this alteration is inconclusive. Based on the majority of available evidence to date, this variant is likely to be pathogenic.

Juno Genomics, Hangzhou Juno Genomics, Inc
Classification: Pathogenic for Bronchiectasis with or without elevated sweat chloride 1; Hereditary pancreatitis; Congenital bilateral aplasia of vas deferens from CFTR mutation; Cystic fibrosis. Review status: criteria provided, single submitter. Criteria: ACMG Guidelines, 2015. Collection method: clinical testing. Allele origin: germline.
Comment: Absent from controls (or at extremely low frequency if recessive) in Genome Aggregation Database.;Well-established in vitro or in vivo functional studies supportive of a damaging effect on the gene or gene product.;For recessive disorders, detected in trans with a pathogenic variant.;Patient's phenotype or family history is highly specific for a disease with a single genetic etiology.

Literature cited by the submitters: PubMed 32539862 (cited by Victorian Clinical Genetics Services, Murdoch Childrens Research Institute); PubMed 28116329 (cited by 7 submitters); PubMed 22992393 (cited by 6 submitters); PubMed 23089694 (cited by 5 submitters); PubMed 30558651 (cited by Mayo Clinic Laboratories, Mayo Clinic and Ambry Genetics); PubMed 32716133 (cited by Mayo Clinic Laboratories, Mayo Clinic); PubMed 32761997 (cited by Mayo Clinic Laboratories, Mayo Clinic); PubMed 34673937 (cited by Mayo Clinic Laboratories, Mayo Clinic); PubMed 35313924 (cited by Mayo Clinic Laboratories, Mayo Clinic); PubMed 35858753 (cited by Mayo Clinic Laboratories, Mayo Clinic); PubMed 38246579 (cited by Mayo Clinic Laboratories, Mayo Clinic); PubMed 38388235 (cited by Mayo Clinic Laboratories, Mayo Clinic and Women's Health and Genetics/Laboratory Corporation of America, LabCorp).

NM_000492.4(CFTR):c.3068T>G (p.Ile1023Arg)

Genes: CFTR (CF transmembrane conductance regulator; plus strand), CFTR-AS2 (CFTR antisense RNA 2; minus strand), LOC111674472 (DNase I hypersensitive sites in introns 16 and 17a of CFTR; plus strand). Cytogenetic location: 7q31.2.
Variant type: single nucleotide variant.
Coding change: c.3068T>G on transcript NM_000492.4 (MANE Select); coding-DNA position 3068, T replaced by G.
Protein change: p.Ile1023Arg; replaces isoleucine 1023 with arginine.
Molecular consequence: missense variant.
Genome position (GRCh38, 1-based): chr7:117,610,598, T>G. VCF-style: chr7-117610598-T-G. GRCh37 (hg19) VCF-style: chr7-117250652-T-G.
Other names: p.Ile1023Arg; short protein forms I1023R.
Identifiers: ClinVar variation 495923 (VCV000495923.19), dbSNP rs756219310, ClinGen allele CA4451372.